The following is an entry in ClinVar:

NM_024408.4(NOTCH2):c.5148T>C (p.Thr1716=)

Gene: NOTCH2 (notch receptor 2; minus strand). Cytogenetic location: 1p12.
Variant type: single nucleotide variant.
Coding change: c.5148T>C on transcript NM_024408.4 (MANE Select); coding-DNA position 5148, T replaced by C.
Protein change: p.Thr1716=; no amino-acid change (threonine 1716 retained).
Molecular consequence: synonymous variant.
Genome position (GRCh38, 1-based): chr1:119,922,301, A>G on the plus strand (T>C on the coding strand, the complement: NOTCH2 is on the minus strand). VCF-style: chr1-119922301-A-G. GRCh37 (hg19) VCF-style: chr1-120464924-A-G.
Other names: c.5148T>C (NM_024408.3).
Identifiers: ClinVar variation 2082140 (VCV002082140.7), dbSNP rs760021378, ClinGen allele CA1039713.
Genomic context (GRCh38, chr1:119,922,301, plus strand): 5'-CCCCACAGCATCCTGTCCCACTGGCTCACGACGCTTGTGATTGCTTGCATCTCGGCGAAG[A>G]GTGAAACCTTCAGGCAGCCAGAGAGAGCCATGCTTACGCTTTCGTTTTGCCATGATTACC-3'
Protein context (NP_077719.2, residues 1706-1726): HGSLWLPEGF[Thr1716=]LRRDASNHKR

ClinVar aggregate classification (germline): Likely benign. Review status: criteria provided, multiple submitters, no conflicts (2 of 4 stars). 3 submissions from 3 submitters: Likely benign (2). 1 of the submissions does not count toward it. Last evaluated 2025-02-28.

Conditions:
Hajdu-Cheney syndrome (HJCYS). Also called: Acroosteolysis dominant type; ACROOSTEOLYSIS WITH OSTEOPOROSIS AND CHANGES IN SKULL AND MANDIBLE; SERPENTINE FIBULA-POLYCYSTIC KIDNEY SYNDROME. Identifiers: Orphanet 955, MedGen C0917715, MONDO:0007057, OMIM 102500.
NOTCH2-related disorder. Also called: NOTCH2-related condition.

Allele frequency attached by ClinVar (database versions not stated): ExAC 0.00001; gnomAD exomes 0.00002; gnomAD 0.00003; TOPMed 0.00003.
gnomAD v4.1: 36 of 1,614,054 alleles (0.0022%); highest among the groups gnomAD compares: African/African-American, 0.004%; 1 homozygote.

Submissions (3):

Labcorp Genetics (formerly Invitae), Labcorp
Classification: Likely benign for Hajdu-Cheney syndrome. Last evaluated: 2025-02-28. Review status: criteria provided, single submitter. Criteria: Invitae Variant Classification Sherloc (09022015). Collection method: clinical testing. Allele origin: germline.

Blueprint Genetics
Classification: Likely benign. Last evaluated: 2020-12-21. Review status: criteria provided, single submitter. Criteria: ACMG Guidelines, 2015. Collection method: clinical testing. Allele origin: germline.

PreventionGenetics, part of Exact Sciences
Classification: Likely benign for NOTCH2-related condition. Last evaluated: 2022-07-13. Review status: no assertion criteria provided. Collection method: clinical testing. Allele origin: germline. Not counted in ClinVar's aggregate classification.
Comment: This variant is classified as likely benign based on ACMG/AMP sequence variant interpretation guidelines (Richards et al. 2015 PMID: 25741868, with internal and published modifications).